The following is an entry in ClinVar:

ClinVar aggregate classification (germline): Uncertain significance (1 of 4 stars; one submission).

Allele frequency attached by ClinVar (database versions not stated): gnomAD exomes below 0.00001.
gnomAD v4.1: 2 of 1,614,164 alleles (0.00012%); highest among the groups gnomAD compares: Non-Finnish European, 0.000085%; no homozygotes.

Submission:

Labcorp Genetics (formerly Invitae), Labcorp
Classification: Uncertain significance. Last evaluated: 2023-06-30. Review status: criteria provided, single submitter. Criteria: Invitae Variant Classification Sherloc (09022015). Collection method: clinical testing. Allele origin: germline.
Comment: In summary, the available evidence is currently insufficient to determine the role of this variant in disease. Therefore, it has been classified as a Variant of Uncertain Significance. Advanced modeling of protein sequence and biophysical properties (such as structural, functional, and spatial information, amino acid conservation, physicochemical variation, residue mobility, and thermodynamic stability) performed at Invitae indicates that this missense variant is not expected to disrupt ELP1 protein function. ClinVar contains an entry for this variant (Variation ID: 1902553). This variant has not been reported in the literature in individuals affected with ELP1-related conditions. This variant is not present in population databases (gnomAD no frequency). This sequence change replaces isoleucine, which is neutral and non-polar, with threonine, which is neutral and polar, at codon 42 of the ELP1 protein (p.Ile42Thr).

NM_003640.5(ELP1):c.125T>C (p.Ile42Thr)

Gene: ELP1 (elongator acetyltransferase complex subunit 1; minus strand). Cytogenetic location: 9q31.3.
Variant type: single nucleotide variant.
Coding change: c.125T>C on transcript NM_003640.5 (MANE Select); coding-DNA position 125, T replaced by C.
Protein change: p.Ile42Thr; replaces isoleucine 42 with threonine.
Molecular consequence: missense variant. On other transcripts: 5 prime UTR variant (2).
Genome position (GRCh38, 1-based): chr9:108,931,022, A>G on the plus strand (T>C on the coding strand, the complement: ELP1 is on the minus strand). VCF-style: chr9-108931022-A-G. GRCh37 (hg19) VCF-style: chr9-111693302-A-G.
Other names: c.-218T>C (NM_001318360.2); c.-735T>C (NM_001330749.2); short protein forms I42T.
Identifiers: ClinVar variation 1902553 (VCV001902553.5), dbSNP rs2537966839, ClinGen allele CA374394776.